The following is an entry in ClinVar:

NM_000371.4(TTR):c.244G>A (p.Glu82Lys)

Gene: TTR (transthyretin; plus strand). Cytogenetic location: 18q12.1.
Variant type: single nucleotide variant.
Coding change: c.244G>A on transcript NM_000371.4 (MANE Select); coding-DNA position 244, G replaced by A.
Protein change: p.Glu82Lys; replaces glutamic acid 82 with lysine.
Molecular consequence: missense variant.
Genome position (GRCh38, 1-based): chr18:31,595,163, G>A. VCF-style: chr18-31595163-G-A. GRCh37 (hg19) VCF-style: chr18-29175126-G-A.
Other names: short protein forms E82K.
Identifiers: ClinVar variation 495841 (VCV000495841.15), dbSNP rs1555631402, ClinGen allele CA402156968.
Genomic context (GRCh38, chr18:31,595,163, plus strand): 5'-ACTTTCACACCTTATAGGAAAACCAGTGAGTCTGGAGAGCTGCATGGGCTCACAACTGAG[G>A]AGGAATTTGTAGAAGGGATATACAAAGTGGAAATAGACACCAAATCTTACTGGAAGGCAC-3'
Protein context (NP_000362.1, residues 72-92): SGELHGLTTE[Glu82Lys]EFVEGIYKVE

ClinVar aggregate classification (germline): Pathogenic/Likely pathogenic. Review status: criteria provided, multiple submitters, no conflicts (2 of 4 stars). 3 submissions from 3 submitters: Pathogenic (1); Likely pathogenic (2). Last evaluated 2025-08-13.

Conditions:
Cardiovascular phenotype. Identifiers: MedGen CN230736.
Amyloidosis, hereditary systemic 1 (AMYLD1). Also called: Familial amyloid polyneuropathy; Transthyretin Amyloidosis; AMYLOID CARDIOMYOPATHY; Isolated Cardiac Amyloidosis; Amyloid Cardiomyopathy, Transthyretin-related; Hereditary oculoleptomeningeal amyloid angiopathy. Identifiers: Orphanet 85447, Orphanet 85451, MedGen C2751492, MONDO:0971004, OMIM 105210.

Submissions (3):

Ambry Genetics
Classification: Likely pathogenic for Cardiovascular phenotype. Last evaluated: 2025-08-13. Review status: criteria provided, single submitter. Criteria: Ambry Variant Classification Scheme 2023. Collection method: clinical testing. Allele origin: germline.
Comment: The p.E82K variant (also known as c.244G>A), located in coding exon 3 of the TTR gene, results from a G to A substitution at nucleotide position 244. The glutamic acid at codon 82 is replaced by lysine, an amino acid with similar properties. This alteration, which is also referenced to as p.E62K, has been reported in individuals with transthyretin (TTR) amyloidosis and related cardiomyopathy (Adams D et al. Neurology, 2015 Aug;85:675-82; Jamet MP et al. Am. J. Surg. Pathol., 2015 Mar;:[ePub ahead of print]; Chyra Kufova Z et al. J Clin Pathol, 2018 Aug;71:687-694; (Damy T et al. Eur Heart J, 2019 Apr;:[ePub ahead of print]; Luigetti M et al. Brain Sci, 2020 Oct;10:[ePub ahead of print]; Salvalaggio A et al. J Neurol, 2021 Jan;268:189-198). This variant is considered to be rare based on population cohorts in the Genome Aggregation Database (gnomAD). This amino acid position is well conserved in available vertebrate species. In addition, the in silico prediction for this alteration is inconclusive. Based on the majority of available evidence to date, this variant is likely to be pathogenic.

Labcorp Genetics (formerly Invitae), Labcorp
Classification: Pathogenic for Amyloidosis, hereditary systemic 1. Last evaluated: 2020-06-10. Review status: criteria provided, single submitter. Criteria: Invitae Variant Classification Sherloc (09022015). Collection method: clinical testing. Allele origin: germline.
Comment: For these reasons, this variant has been classified as Pathogenic. Algorithms developed to predict the effect of missense changes on protein structure and function output the following: SIFT: "Not Available"; PolyPhen-2: "Benign"; Align-GVGD: "Not Available". The lysine amino acid residue is found in multiple mammalian species, suggesting that this missense change does not adversely affect protein function. These predictions have not been confirmed by published functional studies and their clinical significance is uncertain. This variant has been observed in individual(s) with clinical features of hereditary transthyretin-mediated amyloidosis (hATTR amyloidosis) (PMID: 29455155, 31718691, 25828388, 26208957, Invitae). This variant is also known as Glu62Lys and Glu61Lys in the literature. ClinVar contains an entry for this variant (Variation ID: 495841). This variant is not present in population databases (ExAC no frequency). This sequence change replaces glutamic acid with lysine at codon 82 of the TTR protein (p.Glu82Lys). The glutamic acid residue is highly conserved and there is a small physicochemical difference between glutamic acid and lysine.

Women's Health and Genetics/Laboratory Corporation of America, LabCorp
Classification: Likely pathogenic for Amyloidogenic transthyretin amyloidosis. Last evaluated: 2019-09-11. Review status: criteria provided, single submitter. Criteria: LabCorp Variant Classification Summary - May 2015. Collection method: clinical testing. Allele origin: germline. Inheritance: Autosomal dominant inheritance.
Comment: TTR c.244G>A (p.Glu82Lys) results in a conservative amino acid change in the Transthyretin/hydroxyisourate hydrolase domain (IPR023416). Three of five in-silico tools predict a benign effect of the variant. The variant is absent in 246222 control chromosomes. These data indicate that the variant is likely to be associated with disease. To our knowledge, no experimental evidence demonstrating a functional impact has been reported. No other clinical diagnostic laboratories have submitted clinical-significance assessments for this variant to ClinVar. Based on the evidence outlined, the variant was re-classified as likely pathogenic.

Literature cited by the submitters: PubMed 25828388 (cited by 3 submitters); PubMed 26208957 (cited by 3 submitters); PubMed 29455155 (cited by 3 submitters); PubMed 30938420 (cited by Ambry Genetics); PubMed 32749600 (cited by Ambry Genetics); PubMed 33114611 (cited by Ambry Genetics); PubMed 31718691 (cited by Labcorp Genetics (formerly Invitae), Labcorp); PubMed 24061768 (cited by Women's Health and Genetics/Laboratory Corporation of America, LabCorp); PubMed 22580845 (cited by Women's Health and Genetics/Laboratory Corporation of America, LabCorp).